The following is an entry in ClinVar:

ClinVar aggregate classification (germline): Benign. Review status: criteria provided, multiple submitters, no conflicts (2 of 4 stars). 6 submissions from 6 submitters: Benign (5). 1 of the submissions does not count toward it. Last evaluated 2026-02-04.

Conditions:
NEBL-related disorder. Also called: NEBL-related condition.
Primary dilated cardiomyopathy (DCM). Also called: Dilated Cardiomyopathy. Identifiers: Orphanet 217604, MedGen C0007193, MeSH D002311, MONDO:0005021, HP:0001644. Inheritance: Various modes of inheritance.

Allele frequency attached by ClinVar (database versions not stated): gnomAD exomes 0.36035 and 0.38646; ExAC 0.38931; gnomAD 0.42561 and 0.42572; ESP Exome Variant Server 0.43019; TOPMed 0.44059; 1000 Genomes Project 0.46905; 1000 Genomes Project 30x 0.47361.
gnomAD v4.1: 585,249 of 1,590,794 alleles (37%); highest among the groups gnomAD compares: African/African-American, 61%; 112,061 homozygotes.

Submissions (6):

Labcorp Genetics (formerly Invitae), Labcorp
Classification: Benign for Primary dilated cardiomyopathy. Last evaluated: 2026-02-04. Review status: criteria provided, single submitter. Criteria: Invitae Variant Classification Sherloc (09022015). Collection method: clinical testing. Allele origin: germline.

Women's Health and Genetics/Laboratory Corporation of America, LabCorp
Classification: Benign. Last evaluated: 2023-04-04. Review status: criteria provided, single submitter. Criteria: LabCorp Variant Classification Summary - May 2015. Collection method: clinical testing. Allele origin: germline.

GeneDx
Classification: Benign. Last evaluated: 2013-11-22. Review status: criteria provided, single submitter. Criteria: GeneDx Variant Classification (06012015). Collection method: clinical testing. Allele origin: germline. Affected: yes.
Comment: This variant is considered likely benign or benign based on one or more of the following criteria: it is a conservative change, it occurs at a poorly conserved position in the protein, it is predicted to be benign by multiple in silico algorithms, and/or has population frequency not consistent with disease.

Laboratory for Molecular Medicine, Mass General Brigham Personalized Medicine
Classification: Benign. Last evaluated: 2012-03-19. Review status: criteria provided, single submitter. Criteria: LMM Criteria. Collection method: clinical testing. Allele origin: germline. Observed: 1,014 variant alleles.
Comment: c.1671+9T>C in Intron 16 of NEBL: This variant is not expected to have clinical significance because it is not located within the splice consensus sequence and has been identified in 40.3% (1504/3736) of African American chromosomes from a broad population by the NHLBI Exome Sequencing Project (.edu/EVS; dbSNP rs10491056).

Breakthrough Genomics
Classification: Benign. Review status: criteria provided, single submitter. Criteria: ACMG Guidelines, 2015. Collection method: not provided. Allele origin: germline. Inheritance: Unknown mechanism. Affected: yes.

PreventionGenetics, part of Exact Sciences
Classification: Benign for NEBL-related condition. Last evaluated: 2019-05-20. Review status: no assertion criteria provided. Collection method: clinical testing. Allele origin: germline. Not counted in ClinVar's aggregate classification.
Comment: This variant is classified as benign based on ACMG/AMP sequence variant interpretation guidelines (Richards et al. 2015 PMID: 25741868, with internal and published modifications).

NM_006393.3(NEBL):c.1671+9T>C

Gene: NEBL (nebulette; minus strand). Cytogenetic location: 10p12.31.
Variant type: single nucleotide variant.
Coding change: c.1671+9T>C on transcript NM_006393.3 (MANE Select); 9 bases into the intron after coding-DNA position 1671, T replaced by C.
Molecular consequence: intron variant.
Genome position (GRCh38, 1-based): chr10:20,831,187, A>G on the plus strand (T>C on the coding strand, the complement: NEBL is on the minus strand). VCF-style: chr10-20831187-A-G. GRCh37 (hg19) VCF-style: chr10-21120116-A-G.
Other names: c.250-18247T>C (NM_001377326.1, NM_001377327.1, NM_001377328.1); c.358-18247T>C (NM_213569.2, NM_001173484.2, NM_001377322.1); c.301-18247T>C (NM_001377324.1); c.292-18247T>C (NM_001377325.1); c.310-18247T>C (NM_001377323.1).
Identifiers: ClinVar variation 45484 (VCV000045484.17), dbSNP rs10491056, ClinGen allele CA136408.
Genomic context (GRCh38, chr10:20,831,187, plus strand): 5'-AGACATACAAAGCACATGGCAACATGACATTGGAATACACGATTCTGAGCATCTTCATTC[A>G]TGACCAACCTGGCTATAGATTTCAGATGTCCTCTTGGCTCGAAGGATATCTGGGATATCC-3'